The following is an entry in ClinVar:

ClinVar aggregate classification (germline): Benign/Likely benign. Review status: criteria provided, multiple submitters, no conflicts (2 of 4 stars). 8 submissions from 8 submitters: Benign (1); Likely benign (7). Last evaluated 2026-02-03.

Conditions:
INF2-related disorder. Also called: INF2-related condition.
Inborn genetic diseases. Identifiers: MedGen C0950123, MeSH D030342.
Charcot-Marie-Tooth disease dominant intermediate E. Also called: CHARCOT-MARIE-TOOTH NEUROPATHY WITH FOCAL SEGMENTAL GLOMERULONEPHRITIS. Identifiers: Orphanet 93114, MedGen C4302667, MONDO:0013758, OMIM 614455.
Focal segmental glomerulosclerosis 5 (FSGS5). Identifiers: Orphanet 656, MedGen C2750475, MONDO:0013191, OMIM 613237.
Chronic kidney disease. Identifiers: MedGen C1561643, MONDO:0005300, HP:0012622.

Allele frequency attached by ClinVar (database versions not stated): gnomAD exomes 0.00030; TOPMed 0.00034; gnomAD 0.00035 and 0.00036; ESP Exome Variant Server 0.00041; ExAC 0.00042.
gnomAD v4.1: 801 of 1,600,646 alleles (0.05%); highest among the groups gnomAD compares: Non-Finnish European, 0.062%; no homozygotes.

Submissions (8):

Women's Health and Genetics/Laboratory Corporation of America, LabCorp
Classification: Likely benign. Last evaluated: 2026-02-03. Review status: criteria provided, single submitter. Criteria: LabCorp Variant Classification Summary - May 2015. Collection method: clinical testing. Allele origin: germline.
Comment: Variant summary: INF2 c.3221G>A (p.Arg1074Lys) results in a conservative amino acid change in the encoded protein sequence. Algorithms developed to predict the effect of missense changes on protein structure and function all suggest that this variant is likely to be tolerated. The variant allele was found at a frequency of 0.0003 in 223872 control chromosomes, predominantly at a frequency of 0.00057 within the Non-Finnish European subpopulation in the gnomAD database. The observed variant frequency within Non-Finnish European control individuals in the gnomAD database exceeds the estimated maximal expected allele frequency for disease-causing variants in INF2. To our knowledge, no occurrence of c.3221G>A in individuals affected with INF2-related conditions and no experimental evidence demonstrating its impact on protein function have been reported. ClinVar contains an entry for this variant (Variation ID: 245863). Based on the evidence outlined above, the variant was classified as likely benign.

Labcorp Genetics (formerly Invitae), Labcorp
Classification: Likely benign for Charcot-Marie-Tooth disease dominant intermediate E; Focal segmental glomerulosclerosis 5. Last evaluated: 2025-11-27. Review status: criteria provided, single submitter. Criteria: Invitae Variant Classification Sherloc (09022015). Collection method: clinical testing. Allele origin: germline.

PreventionGenetics, part of Exact Sciences
Classification: Likely benign for INF2-related condition. Last evaluated: 2025-03-11. Review status: criteria provided, single submitter. Criteria: ACMG Guidelines, 2015. Collection method: clinical testing. Allele origin: germline.
Comment: This variant is classified as likely benign based on ACMG/AMP sequence variant interpretation guidelines (Richards et al. 2015 PMID: 25741868, with internal and published modifications).

Blueprint Genetics
Classification: Likely benign. Last evaluated: 2024-11-06. Review status: criteria provided, single submitter. Criteria: ACMG Guidelines, 2015. Collection method: clinical testing. Allele origin: germline.

Ambry Genetics
Classification: Likely benign for Inborn genetic diseases. Last evaluated: 2021-09-16. Review status: criteria provided, single submitter. Criteria: Ambry Variant Classification Scheme 2023. Collection method: clinical testing. Allele origin: germline.

Cavalleri Lab, Royal College of Surgeons in Ireland
Classification: Likely benign for Chronic kidney disease. Last evaluated: 2020-05-28. Review status: criteria provided, single submitter. Criteria: ACMG Guidelines, 2015. Collection method: research. Allele origin: unknown. Inheritance: Autosomal dominant inheritance. Affected: yes.
Comment: PP3, BP6, BS1

GeneDx
Classification: Likely benign. Last evaluated: 2020-03-20. Review status: criteria provided, single submitter. Criteria: GeneDx Variant Classification Process June 2021. Collection method: clinical testing. Allele origin: germline. Affected: yes.

Illumina Laboratory Services, Illumina
Classification: Benign for Focal segmental glomerulosclerosis 5. Last evaluated: 2018-01-12. Review status: criteria provided, single submitter. Criteria: ICSL Variant Classification Criteria 13 December 2019. Collection method: clinical testing. Allele origin: germline.
Comment: This variant was observed in the ICSL laboratory as part of a predisposition screen in an ostensibly healthy population. It had not been previously curated by ICSL or reported in the Human Gene Mutation Database (HGMD: prior to June 1st, 2018), and was therefore a candidate for classification through an automated scoring system. Utilizing variant allele frequency, disease prevalence and penetrance estimates, and inheritance mode, an automated score was calculated to assess if this variant is too frequent to cause the disease. Based on the score and internal cut-off values, a variant classified as benign is not then subjected to further curation. The score for this variant resulted in a classification of benign for this disease.

NM_022489.4(INF2):c.3221G>A (p.Arg1074Lys)

Gene: INF2 (inverted formin 2; plus strand). Cytogenetic location: 14q32.33.
Variant type: single nucleotide variant.
Coding change: c.3221G>A on transcript NM_022489.4 (MANE Select); coding-DNA position 3221, G replaced by A.
Protein change: p.Arg1074Lys; replaces arginine 1074 with lysine.
Molecular consequence: missense variant.
Genome position (GRCh38, 1-based): chr14:104,714,383, G>A. VCF-style: chr14-104714383-G-A. GRCh37 (hg19) VCF-style: chr14-105180720-G-A.
Other names: c.3221G>A, p.Arg1074Lys (NM_001031714.4); short protein forms R1074K.
Identifiers: ClinVar variation 245863 (VCV000245863.21), dbSNP rs201445955, ClinGen allele CA7373206.